The following is an entry in ClinVar:

ClinVar aggregate classification (germline): Pathogenic (1 of 4 stars; one submission).

Conditions:
Infantile neuroaxonal dystrophy (NBIA2A). Also called: NEURODEGENERATION WITH BRAIN IRON ACCUMULATION 2A; SEITELBERGER DISEASE; Infantile neuroaxonal dystrophy 1. Identifiers: Orphanet 35069, MedGen C0270724, MONDO:0024457, OMIM 256600.

Submission:

Labcorp Genetics (formerly Invitae), Labcorp
Classification: Pathogenic for Infantile neuroaxonal dystrophy. Last evaluated: 2023-04-09. Review status: criteria provided, single submitter. Criteria: Invitae Variant Classification Sherloc (09022015). Collection method: clinical testing. Allele origin: unknown.
Comment: For these reasons, this variant has been classified as Pathogenic. This variant disrupts a region of the PLA2G6 protein in which other variant(s) (p.Leu481Gln) have been determined to be pathogenic (PMID: 16783378, 24870368, 25164370). This suggests that this is a clinically significant region of the protein, and that variants that disrupt it are likely to be disease-causing. This variant has not been reported in the literature in individuals affected with PLA2G6-related conditions. This variant is a gross deletion of the genomic region encompassing exon(s) 10-11 of the PLA2G6 gene. This variant would be expected to be in-frame, preserving the integrity of the reading frame.

Literature cited by the submitters: PubMed 16783378; PubMed 24870368; PubMed 25164370.

NC_000022.10:g.(?_38519082)_(38522476_?)del

Gene: PLA2G6 (phospholipase A2 group VI; minus strand). Cytogenetic location: 22q13.1.
Variant type: Deletion.
Identifiers: ClinVar variation 3247271 (VCV003247271.1).